The following is an entry in ClinVar:

ClinVar aggregate classification (germline): Uncertain significance. Review status: criteria provided, multiple submitters, no conflicts (2 of 4 stars). 3 submissions from 3 submitters: Uncertain significance (2). 1 of the submissions does not count toward it. Last evaluated 2026-01-28.

Conditions:
Meckel-Gruber syndrome. Also called: GRUBER SYNDROME; DYSENCEPHALIA SPLANCHNOCYSTICA; Dysencephalia splachnocystica. Identifiers: Orphanet 564, MedGen C0265215, MONDO:0018921.
Joubert syndrome. Also called: Familial aplasia of the vermis; JOUBERT-BOLTSHAUSER SYNDROME. Identifiers: Orphanet 475, MedGen C5979921, MONDO:0018772.
RPGRIP1L-related disorder. Also called: RPGRIP1L-related disorders; RPGRIP1L-related condition. Identifiers: MedGen CN239416.

Allele frequency attached by ClinVar (database versions not stated): gnomAD exomes 0.00001 and 0.00003; ExAC 0.00002; TOPMed 0.00006.
gnomAD v4.1: 41 of 1,603,856 alleles (0.0026%); highest among the groups gnomAD compares: Middle Eastern, 0.017%; no homozygotes.

Submissions (3):

PreventionGenetics, part of Exact Sciences
Classification: Uncertain significance for RPGRIP1L-related condition. Last evaluated: 2026-01-28. Review status: criteria provided, single submitter. Criteria: ACMG Guidelines, 2015. Collection method: clinical testing. Allele origin: germline.
Comment: The RPGRIP1L c.1483A>G variant is predicted to result in the amino acid substitution p.Met495Val. This variant has been reported in an individual with vision loss (Table S12, Diñeiro et al. 2020. PubMed ID: 32483926). This variant is reported in 0.020% of alleles in individuals of East Asian descent in gnomAD. At this time, the clinical significance of this variant is uncertain due to the absence of conclusive functional and genetic evidence.

Labcorp Genetics (formerly Invitae), Labcorp
Classification: Uncertain significance for Joubert syndrome; Meckel-Gruber syndrome. Last evaluated: 2022-05-12. Review status: criteria provided, single submitter. Criteria: Invitae Variant Classification Sherloc (09022015). Collection method: clinical testing. Allele origin: germline.
Comment: This sequence change replaces methionine, which is neutral and non-polar, with valine, which is neutral and non-polar, at codon 495 of the RPGRIP1L protein (p.Met495Val). This variant is present in population databases (rs781046784, gnomAD 0.02%). This variant has not been reported in the literature in individuals affected with RPGRIP1L-related conditions. ClinVar contains an entry for this variant (Variation ID: 854729). Algorithms developed to predict the effect of missense changes on protein structure and function output the following: SIFT: "Tolerated"; PolyPhen-2: "Benign"; Align-GVGD: "Class C0". The valine amino acid residue is found in multiple mammalian species, which suggests that this missense change does not adversely affect protein function. Algorithms developed to predict the effect of sequence changes on RNA splicing suggest that this variant may create or strengthen a splice site. In summary, the available evidence is currently insufficient to determine the role of this variant in disease. Therefore, it has been classified as a Variant of Uncertain Significance.

Natera, Inc.
Classification: Uncertain significance for Joubert syndrome. Last evaluated: 2020-04-24. Review status: no assertion criteria provided. Collection method: clinical testing. Allele origin: germline. Not counted in ClinVar's aggregate classification.

NM_015272.5(RPGRIP1L):c.1483A>G (p.Met495Val)

Gene: RPGRIP1L (RPGRIP1 like; minus strand). Cytogenetic location: 16q12.2.
Variant type: single nucleotide variant.
Coding change: c.1483A>G on transcript NM_015272.5 (MANE Select); coding-DNA position 1483, A replaced by G.
Protein change: p.Met495Val; replaces methionine 495 with valine.
Molecular consequence: missense variant.
Genome position (GRCh38, 1-based): chr16:53,657,551, T>C on the plus strand (A>G on the coding strand, the complement: RPGRIP1L is on the minus strand). VCF-style: chr16-53657551-T-C. GRCh37 (hg19) VCF-style: chr16-53691463-T-C.
Other names: c.1483A>G, p.Met495Val (NM_001127897.4, NM_001308334.3, NM_001330538.2); c.1483A>G (NM_015272.4); short protein forms M495V.
Identifiers: ClinVar variation 854729 (VCV000854729.6), dbSNP rs781046784, ClinGen allele CA8057785.